The following is an entry in ClinVar:

ClinVar aggregate classification (germline): Pathogenic. Review status: criteria provided, multiple submitters, no conflicts (2 of 4 stars). 4 submissions from 4 submitters: Pathogenic (3). 1 of the submissions does not count toward it. Last evaluated 2022-07-06.

Conditions:
RP2-related disorder. Also called: RP2-related condition.
Retinitis pigmentosa 2 (RP2). Also called: Retinitis pigmentosa 2, X linked. Identifiers: Orphanet 791, MedGen C2681923, MONDO:0010723, OMIM 312600.

Submissions (4):

Labcorp Genetics (formerly Invitae), Labcorp
Classification: Pathogenic. Last evaluated: 2022-07-06. Review status: criteria provided, single submitter. Criteria: Invitae Variant Classification Sherloc (09022015). Collection method: clinical testing. Allele origin: germline.
Comment: This premature translational stop signal has been observed in individual(s) with retinitis pigmentosa (PMID: 9697692). This sequence change creates a premature translational stop signal (p.Gln26*) in the RP2 gene. It is expected to result in an absent or disrupted protein product. Loss-of-function variants in RP2 are known to be pathogenic (PMID: 11992260, 20625056). This variant is not present in population databases (gnomAD no frequency). ClinVar contains an entry for this variant (Variation ID: 10545). For these reasons, this variant has been classified as Pathogenic.

Blueprint Genetics
Classification: Pathogenic for RP2-related disorders. Last evaluated: 2018-08-13. Review status: criteria provided, single submitter. Criteria: ACMG Guidelines, 2015. Collection method: clinical testing. Allele origin: germline. Affected: yes. Observed: 1 variant allele.

GeneDx
Classification: Pathogenic. Last evaluated: 2018-05-16. Review status: criteria provided, single submitter. Criteria: GeneDx Variant Classification (06012015). Collection method: clinical testing. Allele origin: germline. Affected: yes.
Comment: The Q26X variant in the RP2 gene has been reported previously in an individual with X-linked retinitis pigmentosa (Schwahn et al., 1998). This variant is predicted to cause loss of normal protein function either through protein truncation or nonsense-mediated mRNA decay. The Q26X variant is not observed in large population cohorts (Lek et al., 2016). We interpret Q26X as a pathogenic variant.

OMIM
Classification: Pathogenic for RETINITIS PIGMENTOSA 2. Last evaluated: 1998-08-01. Review status: no assertion criteria provided. Collection method: literature only. Allele origin: germline. Not counted in ClinVar's aggregate classification.

Literature cited by the submitters: PubMed 9697692 (cited by Labcorp Genetics (formerly Invitae), Labcorp and OMIM); PubMed 11992260 (cited by Labcorp Genetics (formerly Invitae), Labcorp); PubMed 20625056 (cited by Labcorp Genetics (formerly Invitae), Labcorp).

NM_006915.3(RP2):c.76C>T (p.Gln26Ter)

Gene: RP2 (RP2 activator of ARL3 GTPase; plus strand). Cytogenetic location: Xp11.3.
Variant type: single nucleotide variant.
Coding change: c.76C>T on transcript NM_006915.3 (MANE Select); coding-DNA position 76, C replaced by T.
Protein change: p.Gln26Ter; replaces glutamine 26 with a stop codon.
Molecular consequence: nonsense.
Genome position (GRCh38, 1-based): chrX:46,837,176, C>T. VCF-style: chrX-46837176-C-T. GRCh37 (hg19) VCF-style: chrX-46696611-C-T.
Other names: short protein forms Q26*.
Identifiers: ClinVar variation 10545 (VCV000010545.8), dbSNP rs104894925, ClinGen allele CA255299.